The following is an entry in ClinVar:

NM_001267550.2(TTN):c.28354G>A (p.Ala9452Thr)

Gene: TTN (titin; minus strand). Cytogenetic location: 2q31.2.
Variant type: single nucleotide variant.
Coding change: c.28354G>A on transcript NM_001267550.2 (MANE Select); coding-DNA position 28354, G replaced by A.
Protein change: p.Ala9452Thr; replaces alanine 9452 with threonine.
Molecular consequence: missense variant. On other transcripts: intron variant (3).
Genome position (GRCh38, 1-based): chr2:178,710,743, C>T on the plus strand (G>A on the coding strand, the complement: TTN is on the minus strand). VCF-style: chr2-178710743-C-T. GRCh37 (hg19) VCF-style: chr2-179575470-C-T.
Other names: c.27403G>A, p.Ala9135Thr (NM_001256850.1); c.24622G>A, p.Ala8208Thr (NM_133378.4); c.13282+27339G>A (NM_003319.4); c.13858+27339G>A (NM_133437.4); c.13657+27339G>A (NM_133432.3); short protein forms A8208T, A9135T, A9452T.
Identifiers: ClinVar variation 1210978 (VCV001210978.7), dbSNP rs527663092, ClinGen allele CA1999609.
Genomic context (GRCh38, chr2:178,710,743, plus strand): 5'-CAGCATAGCAGGTATATTGTCCAGAATCTCCTTTGTCTACTTTGAGGACTGTCAGGTGGG[C>T]GCTGTTTTCCAGATAACTAATCTGGTACTTTCCGCCACTTCGTATTTCTCTGCTGTCTTT-3'
Protein context (NP_001254479.2, residues 9442-9462): KYQISYLENS[Ala9452Thr]HLTVLKVDKG

ClinVar aggregate classification (germline): Conflicting classifications of pathogenicity. Review status: criteria provided, conflicting classifications (1 of 4 stars). 3 submissions from 3 submitters: Uncertain significance (2); Likely benign (1). Last evaluated 2026-07-20.

Conditions:
TTN-related disorder. Also called: TTN-related condition; TTN-related disease; TTN-related disorders.

Allele frequency attached by ClinVar (database versions not stated): gnomAD 0.00008 and 0.00007; TOPMed 0.00014; 1000 Genomes Project 0.00020; 1000 Genomes Project 30x 0.00031.
gnomAD v4.1: 59 of 1,613,806 alleles (0.0037%); highest among the groups gnomAD compares: South Asian, 0.04%; no homozygotes.

Submissions (3):

PreventionGenetics, part of Exact Sciences
Classification: Uncertain significance for TTN-related condition. Last evaluated: 2026-07-20. Review status: criteria provided, single submitter. Criteria: ACMG Guidelines, 2015. Collection method: clinical testing. Allele origin: germline.
Comment: The TTN c.28354G>A variant is predicted to result in the amino acid substitution p.Ala9452Thr. To our knowledge, this variant has not been reported in the literature. This variant is reported in 0.039% of alleles in individuals of South Asian descent in gnomAD. At this time, the clinical significance of this variant is uncertain due to the absence of conclusive functional and genetic evidence.

Revvity Omics, Revvity
Classification: Uncertain significance. Last evaluated: 2022-09-22. Review status: criteria provided, single submitter. Criteria: ACMG Guidelines, 2015. Collection method: clinical testing. Allele origin: germline.

GeneDx
Classification: Likely benign. Last evaluated: 2019-04-17. Review status: criteria provided, single submitter. Criteria: GeneDx Variant Classification Process June 2021. Collection method: clinical testing. Allele origin: germline. Affected: yes.